The following is an entry in ClinVar:

NM_006565.4(CTCF):c.1269G>T (p.Lys423Asn)

Gene: CTCF (CCCTC-binding factor; plus strand). Cytogenetic location: 16q22.1.
Variant type: single nucleotide variant.
Coding change: c.1269G>T on transcript NM_006565.4 (MANE Select); coding-DNA position 1269, G replaced by T.
Protein change: p.Lys423Asn; replaces lysine 423 with asparagine.
Molecular consequence: missense variant.
Genome position (GRCh38, 1-based): chr16:67,621,503, G>T. VCF-style: chr16-67621503-G-T. GRCh37 (hg19) VCF-style: chr16-67655406-G-T.
Other names: c.285G>T, p.Lys95Asn (NM_001191022.2); c.1269G>T, p.Lys423Asn (NM_001363916.2); short protein forms K423N, K95N.
Identifiers: ClinVar variation 4070873 (VCV004070873.1).

ClinVar aggregate classification (germline): Uncertain significance (1 of 4 stars; one submission).

Submission:

GeneDx
Classification: Uncertain significance. Last evaluated: 2025-01-21. Review status: criteria provided, single submitter. Criteria: GeneDx Variant Classification Process June 2021. Collection method: clinical testing. Allele origin: germline. Affected: yes.
Comment: Not observed at significant frequency in large population cohorts (gnomAD); In silico analysis supports that this missense variant has a deleterious effect on protein structure/function; Has not been previously published as pathogenic or benign to our knowledge